The following is an entry in ClinVar:

ClinVar aggregate classification (germline): Likely pathogenic (1 of 4 stars; one submission).

Conditions:
Arrhythmogenic right ventricular cardiomyopathy (ARVD). Also called: Arrhythmogenic cardiomyopathy; Arrhythmogenic Right Ventricular Cardiomyopathy (ARVC); Cardiomyopathy, ARVC; Arrhythmogenic right ventricular dysplasia. Identifiers: Orphanet 247, MedGen C0349788, MeSH D019571, MONDO:0016587. Disease mechanism: loss of function. Inheritance: Various modes of inheritance.

Submission:

Laboratory for Molecular Medicine, Mass General Brigham Personalized Medicine
Classification: Likely pathogenic for Arrhythmogenic right ventricular cardiomyopathy. Last evaluated: 2014-03-24. Review status: criteria provided, single submitter. Criteria: LMM Criteria. Collection method: clinical testing. Allele origin: germline. Inheritance: Autosomal dominant inheritance. Observed: 2 variant alleles.
Comment: This variant is a deletion encompassing exon 8 and is pre dicted to result in a truncated or absent protein. Other truncating variants in PKP2 are well-reported in individuals with ARVC (ARVD/C Genetic Variant Database; Human Gene Mutation Database). In summary, this vari ant is likely pathogenic, though additional studies are required to fully establ ish its clinical significance.

Literature cited by the submitters: PubMed 21606396.

NM_004572.3(PKP2):c.(?_1689)_(1806_?)del

Gene: PKP2 (plakophilin 2; minus strand). Cytogenetic location: 12p11.21.
Variant type: Deletion.
Coding change: c.(?_1689)_(1806_?)del on transcript NM_004572.3; a large deletion whose breakpoints are not mapped to the base.
Other names: c.(?_1689)_(1806_?)del (LRG_398t1).
Identifiers: ClinVar variation 164945 (VCV000164945.5).